The following is an entry in ClinVar:

ClinVar aggregate classification (germline): Pathogenic (1 of 4 stars; one submission).

Submission:

Labcorp Genetics (formerly Invitae), Labcorp
Classification: Pathogenic. Last evaluated: 2023-08-04. Review status: criteria provided, single submitter. Criteria: Invitae Variant Classification Sherloc (09022015). Collection method: clinical testing. Allele origin: germline.
Comment: For these reasons, this variant has been classified as Pathogenic. ClinVar contains an entry for this variant (Variation ID: 639493). This variant has not been reported in the literature in individuals affected with POLE-related conditions. This variant is not present in population databases (gnomAD no frequency). This sequence change creates a premature translational stop signal (p.Ile1411Glnfs*6) in the POLE gene. It is expected to result in an absent or disrupted protein product. Loss-of-function variants in POLE are known to be pathogenic (PMID: 23230001, 25948378, 30503519).

Literature cited by the submitters: PubMed 23230001; PubMed 25948378; PubMed 30503519.

NM_006231.4(POLE):c.4231_4232del (p.Ile1411fs)

Gene: POLE (DNA polymerase epsilon, catalytic subunit; minus strand). Cytogenetic location: 12q24.33.
Variant type: Deletion.
Coding change: c.4231_4232del on transcript NM_006231.4 (MANE Select); coding-DNA positions 4231 to 4232, 2 bases deleted (AT; older notation c.4231_4232delAT).
Protein change: p.Ile1411fs; shifts the reading frame from isoleucine 1411.
Molecular consequence: frameshift variant.
Genome position (GRCh38, 1-based): chr12:132,643,895-132,643,896, AT deleted on the plus strand (AT on the coding strand, the reverse complement: POLE is on the minus strand). VCF-style (leftmost placement, unchanged base first): chr12-132643894-GAT-G. GRCh37 (hg19) VCF-style: chr12-133220480-GAT-G.
Other names: c.4231_4232delAT (NM_006231.3); short protein forms I1411fs.
Identifiers: ClinVar variation 639493 (VCV000639493.6), dbSNP rs1593736079, ClinGen allele CA915946824.